The following is an entry in ClinVar:

NM_001378964.1(CDON):c.197A>G (p.Lys66Arg)

Gene: CDON (cell adhesion associated, oncogene regulated; minus strand). Cytogenetic location: 11q24.2.
Variant type: single nucleotide variant.
Coding change: c.197A>G on transcript NM_001378964.1 (MANE Select); coding-DNA position 197, A replaced by G.
Protein change: p.Lys66Arg; replaces lysine 66 with arginine.
Molecular consequence: missense variant.
Genome position (GRCh38, 1-based): chr11:126,021,400, T>C on the plus strand (A>G on the coding strand, the complement: CDON is on the minus strand). VCF-style: chr11-126021400-T-C. GRCh37 (hg19) VCF-style: chr11-125891295-T-C.
Other names: c.197A>G, p.Lys66Arg (NM_001243597.3, NM_016952.6); short protein forms K66R.
Identifiers: ClinVar variation 303523 (VCV000303523.25), dbSNP rs7122277, ClinGen allele CA6352394.

ClinVar aggregate classification (germline): Benign. Review status: criteria provided, multiple submitters, no conflicts (2 of 4 stars). 5 submissions from 5 submitters: Benign (5). Last evaluated 2025-12-26.

Conditions:
Holoprosencephaly 11 (HPE11). Identifiers: Orphanet 2162, MedGen C3280215, MONDO:0013642, OMIM 614226.

Allele frequency attached by ClinVar (database versions not stated): gnomAD exomes 0.00240 and 0.00663; ExAC 0.00795; gnomAD 0.02385 and 0.02566; 1000 Genomes Project 0.02456; 1000 Genomes Project 30x 0.02670; TOPMed 0.02728; ESP Exome Variant Server 0.03046.
gnomAD v4.1: 7,252 of 1,614,090 alleles (0.45%); highest among the groups gnomAD compares: African/African-American, 8.2%; 269 homozygotes.

Submissions (5):

Labcorp Genetics (formerly Invitae), Labcorp
Classification: Benign for Holoprosencephaly 11. Last evaluated: 2025-12-26. Review status: criteria provided, single submitter. Criteria: Invitae Variant Classification Sherloc (09022015). Collection method: clinical testing. Allele origin: germline.

ARUP Laboratories, Molecular Genetics and Genomics, ARUP Laboratories
Classification: Benign for Holoprosencephaly 11. Last evaluated: 2023-09-22. Review status: criteria provided, single submitter. Criteria: ARUP Molecular Germline Variant Investigation Process 2024. Collection method: clinical testing. Allele origin: germline.

GeneDx
Classification: Benign. Last evaluated: 2019-04-24. Review status: criteria provided, single submitter. Criteria: GeneDx Variant Classification Process June 2021. Collection method: clinical testing. Allele origin: germline. Affected: yes.

Illumina Laboratory Services, Illumina
Classification: Benign for Holoprosencephaly 11. Last evaluated: 2018-01-12. Review status: criteria provided, single submitter. Criteria: ICSL Variant Classification Criteria 13 December 2019. Collection method: clinical testing. Allele origin: germline.
Comment: This variant was observed in the ICSL laboratory as part of a predisposition screen in an ostensibly healthy population. It had not been previously curated by ICSL or reported in the Human Gene Mutation Database (HGMD: prior to June 1st, 2018), and was therefore a candidate for classification through an automated scoring system. Utilizing variant allele frequency, disease prevalence and penetrance estimates, and inheritance mode, an automated score was calculated to assess if this variant is too frequent to cause the disease. Based on the score and internal cut-off values, a variant classified as benign is not then subjected to further curation. The score for this variant resulted in a classification of benign for this disease.

Breakthrough Genomics
Classification: Benign. Review status: criteria provided, single submitter. Criteria: ACMG Guidelines, 2015. Collection method: not provided. Allele origin: germline. Inheritance: Autosomal dominant inheritance. Affected: yes.